The following is an entry in ClinVar:

ClinVar aggregate classification (germline): Likely pathogenic. Review status: criteria provided, multiple submitters, no conflicts (2 of 4 stars). 2 submissions from 2 submitters: Likely pathogenic (2). Last evaluated 2025-08-14.

Conditions:
Pheochromocytoma. Also called: MAX-Related Hereditary Paraganglioma-Pheochromocytoma Syndrome. Identifiers: Orphanet 29072, MedGen C0031511, MONDO:0008233, OMIM 171300, HP:0002666.
Pheochromocytoma/paraganglioma syndrome 4. Also called: PHEOCHROMOCYTOMA, FAMILIAL EXTRAADRENAL; CAROTID BODY TUMORS AND MULTIPLE EXTRAADRENAL PHEOCHROMOCYTOMAS; PARAGANGLIOMA, FAMILIAL MALIGNANT; PARAGANGLIOMAS, HEREDITARY EXTRAADRENAL; Paragangliomas 4; SDHB-Related Hereditary Paraganglioma-Pheochromocytoma Syndrome (Paragangliomas 4). Identifiers: Orphanet 29072, MedGen C1861848, MONDO:0007273, OMIM 115310.
Gastrointestinal stromal tumor. Also called: Gastrointestinal stromal tumor, somatic; Gastrointestinal stroma tumor. Identifiers: Orphanet 44890, MedGen C0238198, MeSH D046152, MONDO:0011719, OMIM 606764, HP:0100723.
Hereditary cancer-predisposing syndrome. Also called: Tumor predisposition; Neoplastic Syndromes, Hereditary; Hereditary Cancer Syndrome; Hereditary neoplastic syndrome. Identifiers: Orphanet 140162, MedGen C0027672, MeSH D009386, MONDO:0015356.

Submissions (2):

Ambry Genetics
Classification: Likely pathogenic for Hereditary cancer-predisposing syndrome. Last evaluated: 2025-08-14. Review status: criteria provided, single submitter. Criteria: Ambry Variant Classification Scheme 2023. Collection method: clinical testing. Allele origin: germline.
Comment: The c.200+5G>T intronic variant results from a G to T substitution 5 nucleotides after coding exon 2 in the SDHB gene. This alteration has been observed in at least one individual with a personal and/or family history that is consistent with SDHB-related hereditary pheochromocytoma-paraganglioma (Ambry internal data). This nucleotide position is highly conserved in available vertebrate species. In silico splice site analysis predicts that this alteration will weaken the native splice donor site; however, direct evidence is insufficient at this time (Ambry internal data). Another variant impacting the same donor site (c.200+5G>C) has been identified in individuals with features consistent with SDHB-related hereditary pheochromocytoma-paraganglioma (Ambry internal data; external communication). This variant is considered to be rare based on population cohorts in the Genome Aggregation Database (gnomAD). Based on the majority of available evidence to date, this variant is likely to be pathogenic.

Labcorp Genetics (formerly Invitae), Labcorp
Classification: Likely pathogenic for Gastrointestinal stromal tumor; Pheochromocytoma/paraganglioma syndrome 4; Pheochromocytoma. Last evaluated: 2023-05-22. Review status: criteria provided, single submitter. Criteria: Invitae Variant Classification Sherloc (09022015). Collection method: clinical testing. Allele origin: germline.
Comment: This sequence change falls in intron 2 of the SDHB gene. It does not directly change the encoded amino acid sequence of the SDHB protein. RNA analysis indicates that this variant induces altered splicing and may result in an absent or disrupted protein product. This variant is not present in population databases (gnomAD no frequency). In summary, the currently available evidence indicates that the variant is pathogenic, but additional data are needed to prove that conclusively. Therefore, this variant has been classified as Likely Pathogenic. This variant has not been reported in the literature in individuals affected with SDHB-related conditions. ClinVar contains an entry for this variant (Variation ID: 1508994). Variants that disrupt the consensus splice site are a relatively common cause of aberrant splicing (PMID: 17576681, 9536098). Studies have shown that this variant results in activation of a cryptic splice site and introduces a premature termination codon (Invitae). The resulting mRNA is expected to undergo nonsense-mediated decay. This variant disrupts the c.200+5G nucleotide in the SDHB gene. Other variant(s) that disrupt this nucleotide have been determined to be pathogenic (Invitae). This suggests that this nucleotide is clinically significant, and that variants that disrupt this position are likely to be disease-causing.

Literature cited by the submitters: PubMed 17576681 (cited by Labcorp Genetics (formerly Invitae), Labcorp); PubMed 9536098 (cited by Labcorp Genetics (formerly Invitae), Labcorp).

NM_003000.3(SDHB):c.200+5G>T

Gene: SDHB (succinate dehydrogenase complex iron sulfur subunit B; minus strand). Cytogenetic location: 1p36.13.
Variant type: single nucleotide variant.
Coding change: c.200+5G>T on transcript NM_003000.3 (MANE Select); 5 bases into the intron after coding-DNA position 200, G replaced by T.
Molecular consequence: intron variant.
Genome position (GRCh38, 1-based): chr1:17,044,756, C>A on the plus strand (G>T on the coding strand, the complement: SDHB is on the minus strand). VCF-style: chr1-17044756-C-A. GRCh37 (hg19) VCF-style: chr1-17371251-C-A.
Identifiers: ClinVar variation 1508994 (VCV001508994.9), dbSNP rs1553178726, ClinGen allele CA2573130753.